The following is an entry in ClinVar:

ClinVar aggregate classification (germline): Uncertain significance (1 of 4 stars; one submission).

Conditions:
Tuberous sclerosis syndrome (TSC). Also called: Tuberous Sclerosis Complex; Tuberous sclerosis. Identifiers: Orphanet 805, MedGen C0041341, MONDO:0001734.

Submission:

All of Us Research Program, National Institutes of Health
Classification: Uncertain significance for Tuberous sclerosis syndrome. Last evaluated: 2024-02-22. Review status: criteria provided, single submitter. Criteria: ACMG Guidelines, 2015. Collection method: clinical testing. Allele origin: germline. Inheritance: Autosomal dominant inheritance. Observed: 1 variant allele, 1 heterozygote.
Comment: This missense variant replaces glutamine with leucine at codon 792 of the TSC1 protein. Computational prediction suggests that this variant may not impact protein structure and function (internally defined REVEL score threshold <= 0.5, PMID: 27666373). To our knowledge, functional studies have not been reported for this variant. This variant has not been reported in individuals affected with TSC1-related disorders in the literature. This variant has not been identified in the general population by the Genome Aggregation Database (gnomAD). The available evidence is insufficient to determine the role of this variant in disease conclusively. Therefore, this variant is classified as a Variant of Uncertain Significance.

This study involves interpretation of variants in research participants for the purpose of population health screening. Participant phenotype was not available at the time of variant classification. Additional details can be found in publication PMID: 35346344, PMCID: PMC8962531

NM_000368.5(TSC1):c.2375A>T (p.Gln792Leu)

Gene: TSC1 (TSC complex subunit 1; minus strand). Cytogenetic location: 9q34.13.
Variant type: single nucleotide variant.
Coding change: c.2375A>T on transcript NM_000368.5 (MANE Select); coding-DNA position 2375, A replaced by T.
Protein change: p.Gln792Leu; replaces glutamine 792 with leucine.
Molecular consequence: missense variant. On other transcripts: non-coding transcript variant (5).
Genome position (GRCh38, 1-based): chr9:132,902,621, T>A on the plus strand (A>T on the coding strand, the complement: TSC1 is on the minus strand). VCF-style: chr9-132902621-T-A. GRCh37 (hg19) VCF-style: chr9-135778008-T-A.
Other names: c.2372A>T, p.Gln791Leu (NM_001162426.2, NM_001406597.1, NM_001406608.1 and 4 more transcripts); c.2222A>T, p.Gln741Leu (NM_001162427.2, NM_001406610.1); c.2012A>T, p.Gln671Leu (NM_001362177.2, NM_001406614.1, NM_001406615.1 and 5 more transcripts); c.2375A>T, p.Gln792Leu (NM_001406592.1, NM_001406593.1, NM_001406594.1 and 5 more transcripts); c.2219A>T, p.Gln740Leu (NM_001406611.1, NM_001406612.1, NM_001406613.1); c.1421A>T, p.Gln474Leu (NM_001406627.1, NM_001406628.1); c.1322A>T, p.Gln441Leu (NM_001406629.1, NM_001406630.1); c.2360A>T, p.Gln787Leu (NM_001406601.1, NM_001406602.1); and 3 more; short protein forms Q441L, Q474L, Q475L, Q670L, Q671L, Q740L, Q741L, Q786L.
Identifiers: ClinVar variation 3386141 (VCV003386141.1).